The following is an entry in ClinVar:

ClinVar aggregate classification (germline): Conflicting classifications of pathogenicity. Review status: criteria provided, conflicting classifications (1 of 4 stars). 8 submissions from 8 submitters: Uncertain significance (3); Likely benign (5). Last evaluated 2026-01-29.

Conditions:
B Lymphoblastic Leukemia/Lymphoma, Not Otherwise Specified. Identifiers: MedGen C2698310.
Hereditary cancer-predisposing syndrome. Also called: Tumor predisposition; Hereditary Cancer Syndrome; Neoplastic Syndromes, Hereditary; Hereditary neoplastic syndrome. Identifiers: Orphanet 140162, MedGen C0027672, MeSH D009386, MONDO:0015356.
Peutz-Jeghers syndrome (PJS). Also called: POLYPOSIS, HAMARTOMATOUS INTESTINAL; POLYPS-AND-SPOTS SYNDROME; Peutz-Jeghers polyposis; Periorificial lentiginosis syndrome. Identifiers: Orphanet 2869, MedGen C0031269, MeSH D010580, MONDO:0008280, OMIM 175200.

Allele frequency attached by ClinVar (database versions not stated): gnomAD exomes 0.00002 and 0.00005; ExAC 0.00004; gnomAD 0.00004; TOPMed 0.00005; 1000 Genomes Project 30x 0.00016; 1000 Genomes Project 0.00020.
gnomAD v4.1: 27 of 1,611,590 alleles (0.0017%); highest among the groups gnomAD compares: Admixed American, 0.015%; 1 homozygote.

Submissions (8):

Labcorp Genetics (formerly Invitae), Labcorp
Classification: Likely benign for Peutz-Jeghers syndrome. Last evaluated: 2026-01-29. Review status: criteria provided, single submitter. Criteria: Invitae Variant Classification Sherloc (09022015). Collection method: clinical testing. Allele origin: germline.

Women's Health and Genetics/Laboratory Corporation of America, LabCorp
Classification: Likely benign. Last evaluated: 2025-11-04. Review status: criteria provided, single submitter. Criteria: LabCorp Variant Classification Summary - May 2015. Collection method: clinical testing. Allele origin: germline.
Comment: Variant summary: STK11 c.1045G>A (p.Glu349Lys) results in a conservative amino acid change in the encoded protein sequence. Algorithms developed to predict the effect of missense changes on protein structure and function are either unavailable or do not agree on the potential impact of this missense change. The variant allele was found at a frequency of 4.9e-05 in 244542 control chromosomes, predominantly at a frequency of 0.00023 within the Latino subpopulation in the gnomAD database, including 1 homozygotes (gnomAD v2). It was also reported as 27 alleles in the gnomAD v4 database. c.1045G>A has been observed in individual(s) affected with Breast cancer, Billary tract cancer, as well as in the unaffected controls (Momozawa_2018, Okawa_2023). These report(s) do not provide unequivocal conclusions about association of the variant with Peutz-Jeghers Syndrome. To our knowledge, no experimental evidence demonstrating an impact on protein function has been reported. The following publications have been ascertained in the context of this evaluation (PMID: 26295973, 26080840, 30287823, 36243179). ClinVar contains an entry for this variant (Variation ID: 127697). Based on the evidence outlined above, the variant was classified as likely benign.

Genome-Nilou Lab
Classification: Likely benign for Peutz-Jeghers syndrome. Last evaluated: 2021-07-15. Review status: criteria provided, single submitter. Criteria: ACMG Guidelines, 2015. Collection method: clinical testing. Allele origin: germline. Affected: no.

Color Diagnostics, LLC DBA Color Health
Classification: Likely benign for Hereditary cancer-predisposing syndrome. Last evaluated: 2021-06-21. Review status: criteria provided, single submitter. Criteria: ACMG Guidelines, 2015. Collection method: clinical testing. Allele origin: germline.

ARUP Laboratories, Molecular Genetics and Genomics, ARUP Laboratories
Classification: Uncertain significance. Last evaluated: 2020-02-18. Review status: criteria provided, single submitter. Criteria: ARUP Molecular Germline Variant Investigation Process. Collection method: clinical testing. Allele origin: germline.
Comment: The STK11 c.1045G>A; p.Glu349Lys variant (rs553752236) has been reported in an individual with breast cancer but also in a healthy control (Momozawa 2018). This variant is reported in the ClinVar database (Variation ID: 127697). It is found in the general population with an overall allele frequency of 0.005% (13/275920 alleles, including 1 homozygote) in the Genome Aggregation Database. The glutamate at codon 349 is moderately conserved, but computational analyses (SIFT, PolyPhen-2) predict that this variant is tolerated. Due to limited information, the clinical significance of this variant is uncertain at this time. REFERENCES Momozawa Y et al. Germline pathogenic variants of 11 breast cancer genes in 7,051 Japanese patients and 11,241 controls. Nat Commun. 2018 Oct 4;9(1):4083.

Ambry Genetics
Classification: Likely benign for Hereditary cancer-predisposing syndrome. Last evaluated: 2018-11-16. Review status: criteria provided, single submitter. Criteria: Ambry Variant Classification Scheme 2023. Collection method: clinical testing. Allele origin: germline.

GeneDx
Classification: Uncertain significance. Last evaluated: 2017-10-19. Review status: criteria provided, single submitter. Criteria: GeneDx Variant Classification (06012015). Collection method: clinical testing. Allele origin: germline. Affected: yes.
Comment: This variant is denoted STK11 c.1045G>A at the cDNA level, p.Glu349Lys (E349K) at the protein level, and results in the change of a Glutamic Acid to a Lysine (GAG>AAG). This variant has not, to our knowledge, been published in the literature as a germline variant. However, it has been reported as a somatic variant in an individual with medullary thyroid cancer and in an individual with cervical cancer (Ji 2015, Lou 2015). STK11 Glu349Lys was observed at an allele frequency of 0.041% (3/7388) in individuals of East Asian ancestry in large population cohorts (NHLBI Exome Sequencing Project, The 1000 Genomes Consortium 2015, Lek 2016). Since Glutamic Acid and Lysine differ in polarity, charge, size or other properties, this is considered a non-conservative amino acid substitution. STK11 Glu349Lys occurs at a position that is not conserved and is not located in a known functional domain. In silico analyses are inconsistent regarding the effect this variant may have on protein structure and function. Based on currently available information, it is unclear whether STK11 Glu349Lys is pathogenic or benign. We consider it to be a variant of uncertain significance.

St. Jude Molecular Pathology, St. Jude Children's Research Hospital
Classification: Uncertain significance for B Lymphoblastic Leukemia/Lymphoma, Not Otherwise Specified. Last evaluated: 2016-08-08. Review status: criteria provided, single submitter. Criteria: ACMG Guidelines, 2015. Collection method: clinical testing. Allele origin: germline. Affected: yes.

Literature cited by the submitters: PubMed 26295973 (cited by Women's Health and Genetics/Laboratory Corporation of America, LabCorp); PubMed 26080840 (cited by Women's Health and Genetics/Laboratory Corporation of America, LabCorp); PubMed 30287823 (cited by Women's Health and Genetics/Laboratory Corporation of America, LabCorp); PubMed 36243179 (cited by Women's Health and Genetics/Laboratory Corporation of America, LabCorp).

NM_000455.5(STK11):c.1045G>A (p.Glu349Lys)

Genes: STK11 (serine/threonine kinase 11; plus strand), LOC130062899 (ATAC-STARR-seq lymphoblastoid active region 13597; plus strand). Cytogenetic location: 19p13.3.
Variant type: single nucleotide variant.
Coding change: c.1045G>A on transcript NM_000455.5 (MANE Select); coding-DNA position 1045, G replaced by A.
Protein change: p.Glu349Lys; replaces glutamic acid 349 with lysine.
Molecular consequence: missense variant.
Genome position (GRCh38, 1-based): chr19:1,223,109, G>A. VCF-style: chr19-1223109-G-A. GRCh37 (hg19) VCF-style: chr19-1223108-G-A.
Other names: p.E349K:GAG>AAG; short protein forms E349K.
Identifiers: ClinVar variation 127697 (VCV000127697.34), dbSNP rs553752236, ClinGen allele CA022228.